The following is an entry in ClinVar:

ClinVar aggregate classification (germline): Uncertain significance (1 of 4 stars; one submission).

Submission:

GeneDx
Classification: Uncertain significance. Last evaluated: 2024-12-24. Review status: criteria provided, single submitter. Criteria: GeneDx Variant Classification Process June 2021. Collection method: clinical testing. Allele origin: germline. Affected: yes.
Comment: Not observed at significant frequency in large population cohorts (gnomAD); In silico analysis indicates that this missense variant does not alter protein structure/function; Has not been previously published as pathogenic or benign to our knowledge; Occurs in the triple helical domain at the Y position in the canonical Gly-X-Y repeat; although this variant may have an effect on normal protein folding and function, missense substitution at the Y position is not a common mechanism of disease (HGMD)

NM_000090.4(COL3A1):c.1256C>A (p.Ala419Asp)

Gene: COL3A1 (collagen type III alpha 1 chain; plus strand). Cytogenetic location: 2q32.2.
Variant type: single nucleotide variant.
Coding change: c.1256C>A on transcript NM_000090.4 (MANE Select); coding-DNA position 1256, C replaced by A.
Protein change: p.Ala419Asp; replaces alanine 419 with aspartic acid.
Molecular consequence: missense variant.
Genome position (GRCh38, 1-based): chr2:188,994,295, C>A. VCF-style: chr2-188994295-C-A. GRCh37 (hg19) VCF-style: chr2-189859021-C-A.
Other names: short protein forms A419D.
Identifiers: ClinVar variation 3907920 (VCV003907920.1).
Genomic context (GRCh38, chr2:188,994,295, plus strand): 5'-GTCCCGCTGGCATTCCTGGAGCTCCTGGACTGATGGGAGCCCGGGGTCCTCCAGGACCAG[C>A]CGGTGCTAATGGTGCTCCTGGACTGCGAGGTGGTGCAGTAAGTTGCCTTGTTTTTTCTCT-3'
Protein context (NP_000081.2, residues 409-429): LMGARGPPGP[Ala419Asp]GANGAPGLRG